The following is an entry in ClinVar:

ClinVar aggregate classification (germline): Uncertain significance. Review status: criteria provided, multiple submitters, no conflicts (2 of 4 stars). 6 submissions from 6 submitters: Uncertain significance (5). 1 of the submissions does not count toward it. Last evaluated 2025-12-15.

Conditions:
Inborn genetic diseases. Identifiers: MedGen C0950123, MeSH D030342.
Retinitis pigmentosa 59 (RP59). Identifiers: Orphanet 791, MedGen C3151227, MONDO:0013468, OMIM 613861.
Retinal dystrophy. Also called: Inherited retinal dystrophy. Identifiers: Orphanet 71862, MedGen C0854723, MeSH D058499, MONDO:0019118, HP:0000556.

Allele frequency attached by ClinVar (database versions not stated): gnomAD exomes 0.00003 and 0.00008; TOPMed 0.00005; ExAC 0.00006; gnomAD 0.00006.
gnomAD v4.1: 61 of 1,612,890 alleles (0.0038%); highest among the groups gnomAD compares: Middle Eastern, 0.082%; no homozygotes.

Submissions (6):

Labcorp Genetics (formerly Invitae), Labcorp
Classification: Uncertain significance for Retinitis pigmentosa 59. Last evaluated: 2025-12-15. Review status: criteria provided, single submitter. Criteria: Invitae Variant Classification Sherloc (09022015). Collection method: clinical testing. Allele origin: germline.
Comment: This sequence change replaces leucine, which is neutral and non-polar, with proline, which is neutral and non-polar, at codon 254 of the DHDDS protein (p.Leu254Pro). This variant is present in population databases (rs755439760, gnomAD 0.04%). This variant has not been reported in the literature in individuals affected with DHDDS-related conditions. ClinVar contains an entry for this variant (Variation ID: 1690716). Invitae Evidence Modeling of protein sequence and biophysical properties (such as structural, functional, and spatial information, amino acid conservation, physicochemical variation, residue mobility, and thermodynamic stability) indicates that this missense variant is not expected to disrupt DHDDS protein function with a negative predictive value of 80%. In summary, the available evidence is currently insufficient to determine the role of this variant in disease. Therefore, it has been classified as a Variant of Uncertain Significance.

Genomic Medicine Center of Excellence, King Faisal Specialist Hospital and Research Centre
Classification: Uncertain significance for Retinitis pigmentosa 59. Last evaluated: 2025-09-10. Review status: criteria provided, single submitter. Criteria: ACMG Guidelines, 2015. Collection method: clinical testing. Allele origin: germline.

Ambry Genetics
Classification: Uncertain significance for Inborn genetic diseases. Last evaluated: 2024-01-09. Review status: criteria provided, single submitter. Criteria: Ambry Variant Classification Scheme 2023. Collection method: clinical testing. Allele origin: germline.

Blueprint Genetics
Classification: Uncertain significance. Last evaluated: 2023-06-08. Review status: criteria provided, single submitter. Criteria: ACMG Guidelines, 2015. Collection method: clinical testing. Allele origin: germline.

Laboratorio de Genetica e Diagnostico Molecular, Hospital Israelita Albert Einstein
Classification: Uncertain significance. Last evaluated: 2019-10-21. Review status: criteria provided, single submitter. Criteria: ACMG Guidelines, 2015. Collection method: clinical testing. Allele origin: germline. Affected: yes.
Comment: ACMG classification criteria: PP3

Institute of Human Genetics, Univ. Regensburg, Univ. Regensburg
Classification: Uncertain significance for Retinal dystrophy. Last evaluated: 2019-01-01. Review status: no assertion criteria provided. Criteria: ACMG Guidelines, 2015. Collection method: clinical testing. Allele origin: germline. Affected: yes. Not counted in ClinVar's aggregate classification.

NM_205861.3(DHDDS):c.761T>C (p.Leu254Pro)

Gene: DHDDS (dehydrodolichyl diphosphate synthase subunit; plus strand). Cytogenetic location: 1p36.11.
Variant type: single nucleotide variant.
Coding change: c.761T>C on transcript NM_205861.3 (MANE Select); coding-DNA position 761, T replaced by C.
Protein change: p.Leu254Pro; replaces leucine 254 with proline.
Molecular consequence: missense variant.
Genome position (GRCh38, 1-based): chr1:26,460,140, T>C. VCF-style: chr1-26460140-T-C. GRCh37 (hg19) VCF-style: chr1-26786631-T-C.
Other names: c.761T>C (NM_024887.3); c.659T>C, p.Leu220Pro (NM_001243564.2); c.644T>C, p.Leu215Pro (NM_001243565.2); c.482T>C, p.Leu161Pro (NM_001319959.2); c.761T>C, p.Leu254Pro (NM_024887.4); short protein forms L161P, L215P, L220P, L254P.
Identifiers: ClinVar variation 1690716 (VCV001690716.10), dbSNP rs755439760, ClinGen allele CA705443.